The following is an entry in ClinVar:

NM_015559.3(SETBP1):c.3593C>A (p.Pro1198Gln)

Gene: SETBP1 (SET binding protein 1; plus strand). Cytogenetic location: 18q12.3.
Variant type: single nucleotide variant.
Coding change: c.3593C>A on transcript NM_015559.3 (MANE Select); coding-DNA position 3593, C replaced by A.
Protein change: p.Pro1198Gln; replaces proline 1198 with glutamine.
Molecular consequence: missense variant.
Genome position (GRCh38, 1-based): chr18:44,952,933, C>A. VCF-style: chr18-44952933-C-A. GRCh37 (hg19) VCF-style: chr18-42532898-C-A.
Other names: c.3593C>A, p.Pro1198Gln (NM_001379141.1, NM_001379142.1, NM_001410862.1); short protein forms P1198Q.
Identifiers: ClinVar variation 3654379 (VCV003654379.2).
Genomic context (GRCh38, chr18:44,952,933, plus strand): 5'-CCACAGGCTTCTCCAGCCACATCCTGAGCGAGCGGCTGAGTAGCGCAGACAAAGAGCTCC[C>A]GCTGGTGAGTGAGAAGAACAAGCATAAGGAGAAACAGAAGCACCAGCACAGCGAAGCCGG-3'
Protein context (NP_056374.2, residues 1188-1208): ERLSSADKEL[Pro1198Gln]LVSEKNKHKE

ClinVar aggregate classification (germline): Uncertain significance (1 of 4 stars; one submission).

Submission:

Labcorp Genetics (formerly Invitae), Labcorp
Classification: Uncertain significance. Last evaluated: 2024-05-23. Review status: criteria provided, single submitter. Criteria: Invitae Variant Classification Sherloc (09022015). Collection method: clinical testing. Allele origin: germline.
Comment: This sequence change replaces proline, which is neutral and non-polar, with glutamine, which is neutral and polar, at codon 1198 of the SETBP1 protein (p.Pro1198Gln). This variant is not present in population databases (gnomAD no frequency). This variant has not been reported in the literature in individuals affected with SETBP1-related conditions. Algorithms developed to predict the effect of missense changes on protein structure and function output the following: SIFT: "Not Available"; PolyPhen-2: "Benign"; Align-GVGD: "Not Available". The glutamine amino acid residue is found in multiple mammalian species, which suggests that this missense change does not adversely affect protein function. In summary, the available evidence is currently insufficient to determine the role of this variant in disease. Therefore, it has been classified as a Variant of Uncertain Significance.